The following is an entry in ClinVar:

NM_001384732.1(CPLANE1):c.4957G>C (p.Val1653Leu)

Gene: CPLANE1 (ciliogenesis and planar polarity effector complex subunit 1; minus strand). Cytogenetic location: 5p13.2.
Variant type: single nucleotide variant.
Coding change: c.4957G>C on transcript NM_001384732.1 (MANE Select); coding-DNA position 4957, G replaced by C.
Protein change: p.Val1653Leu; replaces valine 1653 with leucine.
Molecular consequence: missense variant.
Genome position (GRCh38, 1-based): chr5:37,183,224, C>G on the plus strand (G>C on the coding strand, the complement: CPLANE1 is on the minus strand). VCF-style: chr5-37183224-C-G. GRCh37 (hg19) VCF-style: chr5-37183326-C-G.
Other names: c.4957G>C, p.Val1653Leu (NM_023073.4); short protein forms V1653L.
Identifiers: ClinVar variation 1973101 (VCV001973101.5), dbSNP rs1783143728, ClinGen allele CA359494913.

ClinVar aggregate classification (germline): Uncertain significance (1 of 4 stars; one submission).

Submission:

Labcorp Genetics (formerly Invitae), Labcorp
Classification: Uncertain significance. Last evaluated: 2022-07-06. Review status: criteria provided, single submitter. Criteria: Invitae Variant Classification Sherloc (09022015). Collection method: clinical testing. Allele origin: germline.
Comment: In summary, the available evidence is currently insufficient to determine the role of this variant in disease. Therefore, it has been classified as a Variant of Uncertain Significance. Advanced modeling of protein sequence and biophysical properties (such as structural, functional, and spatial information, amino acid conservation, physicochemical variation, residue mobility, and thermodynamic stability) performed at Invitae indicates that this missense variant is not expected to disrupt CPLANE1 protein function. This variant has not been reported in the literature in individuals affected with CPLANE1-related conditions. This variant is not present in population databases (gnomAD no frequency). This sequence change replaces valine, which is neutral and non-polar, with leucine, which is neutral and non-polar, at codon 1653 of the CPLANE1 protein (p.Val1653Leu).